The following is an entry in ClinVar:

NM_001372044.2(SHANK3):c.4583G>T (p.Gly1528Val)

Gene: SHANK3 (SH3 and multiple ankyrin repeat domains 3; plus strand). Cytogenetic location: 22q13.33.
Variant type: single nucleotide variant.
Coding change: c.4583G>T on transcript NM_001372044.2 (MANE Select); coding-DNA position 4583, G replaced by T.
Protein change: p.Gly1528Val; replaces glycine 1528 with valine.
Molecular consequence: missense variant.
Genome position (GRCh38, 1-based): chr22:50,722,191, G>T. VCF-style: chr22-50722191-G-T. GRCh37 (hg19) VCF-style: chr22-51160619-G-T.
Other names: short protein forms G1528V.
Identifiers: ClinVar variation 5021079 (VCV005021079.1).
Genomic context (GRCh38, chr22:50,722,191, plus strand): 5'-TGCTGAAGCAGTCCTCGGACAGCGAGCTCATGGCCCAGCAGCACCACGCCGCCTCTGCCG[G>T]GCTGGCCTCTGCCGCCGGGCCTGCCCGCCCTCGCTACCTCTTCCAGAGAAGGTCCAAGCT-3'
Protein context (NP_001358973.1, residues 1518-1538): MAQQHHAASA[Gly1528Val]LASAAGPARP

ClinVar aggregate classification (germline): Uncertain significance (1 of 4 stars; one submission).

Submission:

Dasa
Classification: Uncertain significance. Last evaluated: 2024-08-28. Review status: criteria provided, single submitter. Criteria: DASA Assertion Criteria. Collection method: clinical testing. Allele origin: germline.
Comment: NM_001372044.2(SHANK3):c.4583G>T (p.Gly1528Val) is a missense variant that results in the substitution of glycine with valine. This variant is absent from population databases. Computational prediction algorithms are consistent with a benign effect. The currently available literature and clinical evidence are not sufficient to establish a definitive association between this variant and the reported condition. Therefore, this variant is classified as a variant of uncertain significance.